The following is an entry in ClinVar:

NM_015001.3(SPEN):c.8700G>A (p.Ser2900=)

Gene: SPEN (spen family transcriptional repressor; plus strand). Cytogenetic location: 1p36.13.
Variant type: single nucleotide variant.
Coding change: c.8700G>A on transcript NM_015001.3 (MANE Select); coding-DNA position 8700, G replaced by A.
Protein change: p.Ser2900=; no amino-acid change (serine 2900 retained).
Molecular consequence: synonymous variant.
Genome position (GRCh38, 1-based): chr1:15,934,940, G>A. VCF-style: chr1-15934940-G-A. GRCh37 (hg19) VCF-style: chr1-16261435-G-A.
Identifiers: ClinVar variation 3044527 (VCV003044527.2), dbSNP rs868296931, ClinGen allele CA18281903.

ClinVar aggregate classification (germline): Likely benign (0 of 4 stars; one submission).

Conditions:
SPEN-related disorder. Also called: SPEN-related condition.

Allele frequency attached by ClinVar (database versions not stated): gnomAD 0.00002; TOPMed 0.00004.

Submission:

PreventionGenetics, part of Exact Sciences
Classification: Likely benign for SPEN-related condition. Last evaluated: 2019-03-28. Review status: no assertion criteria provided. Collection method: clinical testing. Allele origin: germline.
Comment: This variant is classified as likely benign based on ACMG/AMP sequence variant interpretation guidelines (Richards et al. 2015 PMID: 25741868, with internal and published modifications).